The following is an entry in ClinVar:

ClinVar aggregate classification (germline): Likely pathogenic (1 of 4 stars; one submission).

Submission:

Labcorp Genetics (formerly Invitae), Labcorp
Classification: Likely pathogenic. Last evaluated: 2023-04-22. Review status: criteria provided, single submitter. Criteria: Invitae Variant Classification Sherloc (09022015). Collection method: clinical testing. Allele origin: germline.
Comment: In summary, the currently available evidence indicates that the variant is pathogenic, but additional data are needed to prove that conclusively. Therefore, this variant has been classified as Likely Pathogenic. This sequence change affects a donor splice site in intron 19 of the LAMA3 gene. It is expected to disrupt RNA splicing. Variants that disrupt the donor or acceptor splice site typically lead to a loss of protein function (PMID: 16199547), and loss-of-function variants in LAMA3 are known to be pathogenic (PMID: 10366601, 11810295, 12915477, 16473856, 17362460, 22434185, 23869449, 27827380, 28087116). This variant is not present in population databases (gnomAD no frequency). This variant has not been reported in the literature in individuals affected with LAMA3-related conditions. Algorithms developed to predict the effect of sequence changes on RNA splicing suggest that this variant may disrupt the consensus splice site.

Literature cited by the submitters: PubMed 16199547; PubMed 10366601; PubMed 11810295; PubMed 12915477; PubMed 16473856; PubMed 17362460; PubMed 22434185; PubMed 23869449; PubMed 27827380; PubMed 28087116.

NM_198129.4(LAMA3):c.7329+1G>A

Gene: LAMA3 (laminin subunit alpha 3; plus strand). Cytogenetic location: 18q11.2.
Variant type: single nucleotide variant.
Coding change: c.7329+1G>A on transcript NM_198129.4 (MANE Select); the canonical splice donor site of the intron after coding-DNA position 7329, G replaced by A.
Molecular consequence: splice donor variant.
Genome position (GRCh38, 1-based): chr18:23,912,882, G>A. VCF-style: chr18-23912882-G-A. GRCh37 (hg19) VCF-style: chr18-21492846-G-A.
Other names: c.7161+1G>A (NM_001127717.4); c.2502+1G>A (NM_000227.6); c.2334+1G>A (NM_001127718.4).
Identifiers: ClinVar variation 2875273 (VCV002875273.3), dbSNP rs2511459687, ClinGen allele CA402056248.